The following is an entry in ClinVar:

NM_000135.4(FANCA):c.1843C>G (p.Pro615Ala)

Gene: FANCA (FA complementation group A; minus strand). Cytogenetic location: 16q24.3.
Variant type: single nucleotide variant.
Coding change: c.1843C>G on transcript NM_000135.4 (MANE Select); coding-DNA position 1843, C replaced by G.
Protein change: p.Pro615Ala; replaces proline 615 with alanine.
Molecular consequence: missense variant.
Genome position (GRCh38, 1-based): chr16:89,775,799, G>C on the plus strand (C>G on the coding strand, the complement: FANCA is on the minus strand). VCF-style: chr16-89775799-G-C. GRCh37 (hg19) VCF-style: chr16-89842207-G-C.
Other names: c.1843C>G, p.Pro615Ala (NM_001286167.3); short protein forms P615A.
Identifiers: ClinVar variation 4843039 (VCV004843039.1).

ClinVar aggregate classification (germline): Uncertain significance (1 of 4 stars; one submission).

Conditions:
Inborn genetic diseases. Identifiers: MedGen C0950123, MeSH D030342.

Submission:

Ambry Genetics
Classification: Uncertain significance for Inborn genetic diseases. Last evaluated: 2026-01-12. Review status: criteria provided, single submitter. Criteria: Ambry Variant Classification Scheme 2023. Collection method: clinical testing. Allele origin: germline.
Comment: The p.P615A variant (also known as c.1843C>G), located in coding exon 21 of the FANCA gene, results from a C to G substitution at nucleotide position 1843. The proline at codon 615 is replaced by alanine, an amino acid with highly similar properties. This amino acid position is conserved. In addition, this alteration is predicted to be tolerated by in silico analysis. Based on the available evidence, the clinical significance of this variant remains unclear.